The following is an entry in ClinVar:

ClinVar aggregate classification (germline): Uncertain significance. Review status: criteria provided, multiple submitters, no conflicts (2 of 4 stars). 4 submissions from 4 submitters: Uncertain significance (4). Last evaluated 2025-11-24.

Conditions:
Inborn genetic diseases. Identifiers: MedGen C0950123, MeSH D030342.
Hereditary spastic paraplegia 48. Also called: Spastic paraplegia 48; SPASTIC PARAPLEGIA 48, AUTOSOMAL RECESSIVE. Identifiers: Orphanet 306511, MedGen C3150901, MONDO:0013342, OMIM 613647.

Allele frequency attached by ClinVar (database versions not stated): ExAC 0.00003; TOPMed 0.00009.
gnomAD v4.1: 31 of 1,606,878 alleles (0.0019%); highest among the groups gnomAD compares: Admixed American, 0.032%; no homozygotes.

Submissions (4):

Ambry Genetics
Classification: Uncertain significance for Inborn genetic diseases. Last evaluated: 2025-11-24. Review status: criteria provided, single submitter. Criteria: Ambry Variant Classification Scheme 2023. Collection method: clinical testing. Allele origin: germline.

Labcorp Genetics (formerly Invitae), Labcorp
Classification: Uncertain significance for Hereditary spastic paraplegia 48. Last evaluated: 2025-10-22. Review status: criteria provided, single submitter. Criteria: Invitae Variant Classification Sherloc (09022015). Collection method: clinical testing. Allele origin: germline.
Comment: This sequence change replaces leucine, which is neutral and non-polar, with phenylalanine, which is neutral and non-polar, at codon 536 of the AP5Z1 protein (p.Leu536Phe). This variant is present in population databases (rs762360022, gnomAD 0.03%). This variant has not been reported in the literature in individuals affected with AP5Z1-related conditions. ClinVar contains an entry for this variant (Variation ID: 2414395). Invitae Evidence Modeling of protein sequence and biophysical properties (such as structural, functional, and spatial information, amino acid conservation, physicochemical variation, residue mobility, and thermodynamic stability) has been performed for this missense variant. However, the output from this modeling did not meet the statistical confidence thresholds required to predict the impact of this variant on AP5Z1 protein function. In summary, the available evidence is currently insufficient to determine the role of this variant in disease. Therefore, it has been classified as a Variant of Uncertain Significance.

Mayo Clinic Laboratories, Mayo Clinic
Classification: Uncertain significance. Last evaluated: 2025-05-18. Review status: criteria provided, single submitter. Criteria: ACMG Guidelines, 2015. Collection method: clinical testing. Allele origin: germline. Observed: 1 variant allele.
Comment: PM2_supporting

Blueprint Genetics
Classification: Uncertain significance. Last evaluated: 2023-12-29. Review status: criteria provided, single submitter. Criteria: ACMG Guidelines, 2015. Collection method: clinical testing. Allele origin: germline.

NM_014855.3(AP5Z1):c.1606C>T (p.Leu536Phe)

Gene: AP5Z1 (adaptor related protein complex 5 subunit zeta 1; plus strand). Cytogenetic location: 7p22.1.
Variant type: single nucleotide variant.
Coding change: c.1606C>T on transcript NM_014855.3 (MANE Select); coding-DNA position 1606, C replaced by T.
Protein change: p.Leu536Phe; replaces leucine 536 with phenylalanine.
Molecular consequence: missense variant. On other transcripts: non-coding transcript variant (1).
Genome position (GRCh38, 1-based): chr7:4,788,850, C>T. VCF-style: chr7-4788850-C-T. GRCh37 (hg19) VCF-style: chr7-4828481-C-T.
Other names: p.Leu536Phe; c.1138C>T, p.Leu380Phe (NM_001364858.1); c.1606C>T (NM_014855.2); short protein forms L380F, L536F.
Identifiers: ClinVar variation 2414395 (VCV002414395.7), dbSNP rs762360022, ClinGen allele CA4137938.
Genomic context (GRCh38, chr7:4,788,850, plus strand): 5'-GTCACCAGGTCGGGGAGCGGGCAGCACTCACGGCCACACTGTGTCCTCAGGTTGGCGCCA[C>T]TCCACCAGCTGCTGCAGCCCATGGCCGGCTGTGCCCGCGTGGCCCAGTGTGCCCAGGCCG-3'
Protein context (NP_055670.1, residues 526-546): ASGATERLAP[Leu536Phe]HQLLQPMAGC